The following is an entry in ClinVar:

ClinVar aggregate classification (germline): Likely pathogenic (1 of 4 stars; one submission).

Submission:

Labcorp Genetics (formerly Invitae), Labcorp
Classification: Likely pathogenic. Last evaluated: 2024-10-02. Review status: criteria provided, single submitter. Criteria: Invitae Variant Classification Sherloc (09022015). Collection method: clinical testing. Allele origin: germline.
Comment: This sequence change replaces isoleucine, which is neutral and non-polar, with threonine, which is neutral and polar, at codon 364 of the DDX3X protein (p.Ile364Thr). This variant is not present in population databases (gnomAD no frequency). This missense change has been observed in individual(s) with clinical features of DDX3X-related conditions (internal data). In at least one individual the variant was observed to be de novo. Experimental studies and prediction algorithms are not available or were not evaluated, and the functional significance of this variant is currently unknown. In summary, the currently available evidence indicates that the variant is pathogenic, but additional data are needed to prove that conclusively. Therefore, this variant has been classified as Likely Pathogenic.

NM_001356.5(DDX3X):c.1091T>C (p.Ile364Thr)

Gene: DDX3X (DEAD-box helicase 3 X-linked; plus strand). Cytogenetic location: Xp11.4.
Variant type: single nucleotide variant.
Coding change: c.1091T>C on transcript NM_001356.5 (MANE Select); coding-DNA position 1091, T replaced by C.
Protein change: p.Ile364Thr; replaces isoleucine 364 with threonine.
Molecular consequence: missense variant. On other transcripts: non-coding transcript variant (1).
Genome position (GRCh38, 1-based): chrX:41,345,245, T>C. VCF-style: chrX-41345245-T-C. GRCh37 (hg19) VCF-style: chrX-41204498-T-C.
Other names: c.1091T>C, p.Ile364Thr (NM_001193416.3); c.1043T>C, p.Ile348Thr (NM_001193417.3); c.533T>C, p.Ile178Thr (NM_001363819.1); short protein forms I348T, I364T, I178T.
Identifiers: ClinVar variation 2862610 (VCV002862610.3), dbSNP rs2147356235, ClinGen allele CA412771374.